The following is an entry in ClinVar:

NM_000132.4(F8):c.1171C>T (p.Arg391Cys)

Gene: F8 (coagulation factor VIII; minus strand). Cytogenetic location: Xq28.
Variant type: single nucleotide variant.
Coding change: c.1171C>T on transcript NM_000132.4 (MANE Select); coding-DNA position 1171, C replaced by T.
Protein change: p.Arg391Cys; replaces arginine 391 with cysteine.
Molecular consequence: missense variant.
Genome position (GRCh38, 1-based): chrX:154,966,526, G>A on the plus strand (C>T on the coding strand, the complement: F8 is on the minus strand). VCF-style: chrX-154966526-G-A. GRCh37 (hg19) VCF-style: chrX-154194801-G-A.
Other names: F8, ARG372CYS; R372C; short protein forms R391C.
Identifiers: ClinVar variation 10125 (VCV000010125.10), dbSNP rs137852364, ClinGen allele CA255026.

ClinVar aggregate classification (germline): Pathogenic. Review status: criteria provided, multiple submitters, no conflicts (2 of 4 stars). 3 submissions from 3 submitters: Pathogenic (2). 1 of the submissions does not count toward it. Last evaluated 2024-12-24.

Conditions:
Hereditary factor VIII deficiency disease (HEMA). Also called: HEMOPHILIA, CLASSIC; Hemophilia A; Hemophilia A, congenital; HEM A; Factor 8 deficiency, congenital; AUTOSOMAL HEMOPHILIA A. Identifiers: Orphanet 98878, MedGen C0019069, MONDO:0010602, OMIM 306700.

Allele frequency attached by ClinVar (database versions not stated): TOPMed 0.00007.

Submissions (3):

Women's Health and Genetics/Laboratory Corporation of America, LabCorp
Classification: Pathogenic for Hereditary factor VIII deficiency disease. Last evaluated: 2024-12-24. Review status: criteria provided, single submitter. Criteria: LabCorp Variant Classification Summary - May 2015. Collection method: clinical testing. Allele origin: germline.
Comment: Variant summary: F8 c.1171C>T (p.Arg391Cys) results in a non-conservative amino acid change in the encoded protein sequence. Five of five in-silico tools predict a damaging effect of the variant on protein function. The frequency data for this variant in gnomAD is considered unreliable, as metrics indicate poor data quality at this position. c.1171C>T has been reported in the literature in multiple hemizygous males affected with Factor VIII Deficiency (Hemophilia A) and segregated with disease in at least one family (Shima_1989, Guo_2018). These data indicate that the variant is likely to be associated with disease. At least one publication reports experimental evidence evaluating an impact on protein function. The most pronounced variant effect results in a ten fold decrease in thrombin activation (Shima_1989). The following publications have been ascertained in the context of this evaluation (PMID: 28056528, 2506948). ClinVar contains an entry for this variant (Variation ID: 10125). This variant is also known as p.Arg372Cys. Based on the evidence outlined above, the variant was classified as pathogenic.

ARUP Laboratories, Molecular Genetics and Genomics, ARUP Laboratories
Classification: Pathogenic. Last evaluated: 2023-12-13. Review status: criteria provided, single submitter. Criteria: ARUP Molecular Germline Variant Investigation Process 2024. Collection method: clinical testing. Allele origin: germline.
Comment: The F8 c.1171C>T; p.Arg391Cys variant (rs137852364), also known as Arg372Cys, is reported in the literature in multiple individuals affected with mild to severe hemophilia A (see F8 database and references therein, Feng 2021). This variant is reported in ClinVar (Variation ID: 10125) and is absent from the Genome Aggregation Database, indicating it is not a common polymorphism. Additionally, other amino acid substitutions at this codon (His, Leu, Gly, Pro) have been reported in individuals with hemophilia A and are considered pathogenic (F8 database). The arginine at codon 391 is highly conserved, and computational analyses predict that this variant is deleterious (REVEL: 0.924). Based on available information, this variant is considered to be pathogenic. References: Link to F8 database: Feng Y et al. Mutation analysis in the F8 gene in 485 families with haemophilia A and prenatal diagnosis in China. Haemophilia. 2021 Jan;27(1):e88-e92.PMID: 33245802.

OMIM
Classification: Pathogenic for HEMOPHILIA A. Last evaluated: 1990-04-15. Review status: no assertion criteria provided. Collection method: literature only. Allele origin: germline. Not counted in ClinVar's aggregate classification.

Literature cited by the submitters: PubMed 28056528 (cited by Women's Health and Genetics/Laboratory Corporation of America, LabCorp); PubMed 2506948 (cited by Women's Health and Genetics/Laboratory Corporation of America, LabCorp and OMIM); PubMed 2109644 (cited by OMIM).